The following is an entry in ClinVar:

ClinVar aggregate classification (germline): Conflicting classifications of pathogenicity. Review status: criteria provided, conflicting classifications (1 of 4 stars). 6 submissions from 6 submitters: Uncertain significance (3); Likely benign (3). Last evaluated 2026-03-07.

Conditions:
Cardiovascular phenotype. Identifiers: MedGen CN230736.
Osteogenesis imperfecta type I (OI1). Also called: Lobstein disease; Osteogenesis imperfecta type 1; OI, TYPE I; OSTEOGENESIS IMPERFECTA TARDA; OSTEOGENESIS IMPERFECTA WITH BLUE SCLERAE; Classic Non-deforming Osteogenesis Imperfecta with Blue Sclerae. Identifiers: Orphanet 216796, Orphanet 666, MedGen C0023931, MONDO:0008146, OMIM 166200. Disease mechanism: loss of function.
Osteogenesis imperfecta (OI). Identifiers: Orphanet 666, MedGen C0029434, MeSH D010013, MONDO:0019019.

Allele frequency attached by ClinVar (database versions not stated): gnomAD 0.00001; TOPMed 0.00001; ExAC 0.00002; gnomAD exomes 0.00002 and 0.00003.
gnomAD v4.1: 29 of 1,613,978 alleles (0.0018%); highest among the groups gnomAD compares: Non-Finnish European, 0.0025%; no homozygotes.

Submissions (6):

Ambry Genetics
Classification: Likely benign for Cardiovascular phenotype. Last evaluated: 2026-03-07. Review status: criteria provided, single submitter. Criteria: Ambry Variant Classification Scheme 2023. Collection method: clinical testing. Allele origin: germline.

Women's Health and Genetics/Laboratory Corporation of America, LabCorp
Classification: Uncertain significance. Last evaluated: 2025-12-03. Review status: criteria provided, single submitter. Criteria: LabCorp Variant Classification Summary - May 2015. Collection method: clinical testing. Allele origin: germline.
Comment: Variant summary: COL1A1 c.979G>T (p.Ala327Ser) results in a conservative amino acid change in the encoded protein sequence. Algorithms developed to predict the effect of missense changes on protein structure and function are either unavailable or do not agree on the potential impact of this missense change. The variant allele was found at a frequency of 1.8e-05 in 1613978 control chromosomes (gnomAD v4). This frequency is not significantly higher than estimated for disease-causing variants in COL1A1, allowing no conclusion about variant significance. To our knowledge, no occurrence of c.979G>T in individuals affected with COL1A1-related conditions and no experimental evidence demonstrating its impact on protein function have been reported. ClinVar contains an entry for this variant (Variation ID: 1388911). Based on the evidence outlined above, the variant was classified as uncertain significance.

Labcorp Genetics (formerly Invitae), Labcorp
Classification: Likely benign for Osteogenesis imperfecta type I. Last evaluated: 2025-11-12. Review status: criteria provided, single submitter. Criteria: Invitae Variant Classification Sherloc (09022015). Collection method: clinical testing. Allele origin: germline.

Mayo Clinic Laboratories, Mayo Clinic
Classification: Uncertain significance. Last evaluated: 2025-02-15. Review status: criteria provided, single submitter. Criteria: ACMG Guidelines, 2015. Collection method: clinical testing. Allele origin: germline. Observed: 1 variant allele.

Blueprint Genetics
Classification: Likely benign. Last evaluated: 2024-11-19. Review status: criteria provided, single submitter. Criteria: ACMG Guidelines, 2015. Collection method: clinical testing. Allele origin: germline.

Genome Diagnostics Laboratory, The Hospital for Sick Children
Classification: Uncertain significance for Osteogenesis imperfecta. Last evaluated: 2021-12-31. Review status: criteria provided, single submitter. Criteria: ACMG Guidelines, 2015. Collection method: clinical testing. Allele origin: germline.

NM_000088.4(COL1A1):c.979G>T (p.Ala327Ser)

Gene: COL1A1 (collagen type I alpha 1 chain; minus strand). Cytogenetic location: 17q21.33.
Variant type: single nucleotide variant.
Coding change: c.979G>T on transcript NM_000088.4 (MANE Select); coding-DNA position 979, G replaced by T.
Protein change: p.Ala327Ser; replaces alanine 327 with serine.
Molecular consequence: missense variant.
Genome position (GRCh38, 1-based): chr17:50,196,178, C>A on the plus strand (G>T on the coding strand, the complement: COL1A1 is on the minus strand). VCF-style: chr17-50196178-C-A. GRCh37 (hg19) VCF-style: chr17-48273539-C-A.
Other names: p.Ala327Ser; short protein forms A327S.
Identifiers: ClinVar variation 1388911 (VCV001388911.15), dbSNP rs769106952, ClinGen allele CA8645457.